The following is an entry in ClinVar:

ClinVar aggregate classification (germline): Conflicting classifications of pathogenicity. Review status: criteria provided, conflicting classifications (1 of 4 stars). 2 submissions from 2 submitters: Uncertain significance (1); Likely benign (1). Last evaluated 2022-12-01.

Allele frequency attached by ClinVar (database versions not stated): ExAC 0.00021; TOPMed 0.00023; gnomAD 0.00024; ESP Exome Variant Server 0.00038; gnomAD exomes 0.00050.

Submissions (2):

CeGaT Center for Human Genetics Tuebingen
Classification: Likely benign. Last evaluated: 2022-12-01. Review status: criteria provided, single submitter. Criteria: CeGaT Center For Human Genetics Tuebingen Variant Classification Criteria Version 2. Collection method: clinical testing. Allele origin: germline. Affected: yes. Observed: 1 variant allele.
Comment: GPRASP1: BP4, BS2

Ambry Genetics
Classification: Uncertain significance. Last evaluated: 2021-10-26. Review status: criteria provided, single submitter. Criteria: Ambry Variant Classification Scheme 2023. Collection method: clinical testing. Allele origin: germline.

NM_001184727.2(GPRASP1):c.1547C>G (p.Thr516Ser)

Genes: ARMCX5-GPRASP2 (ARMCX5-GPRASP2 readthrough; plus strand), GPRASP1 (G protein-coupled receptor associated sorting protein 1; plus strand). Cytogenetic location: Xq22.1.
Variant type: single nucleotide variant.
Coding change: c.1547C>G on transcript NM_001184727.2 (MANE Select); coding-DNA position 1547, C replaced by G.
Protein change: p.Thr516Ser; replaces threonine 516 with serine.
Molecular consequence: missense variant. On other transcripts: intron variant (2).
Genome position (GRCh38, 1-based): chrX:102,655,460, C>G. VCF-style: chrX-102655460-C-G. GRCh37 (hg19) VCF-style: chrX-101910388-C-G.
Other names: c.1547C>G, p.Thr516Ser (NM_014710.5, NM_001099410.2, NM_001099411.2); c.-480+49807C>G (NM_001199818.1); c.-966+49807C>G (NM_001350268.2); short protein forms T516S.
Identifiers: ClinVar variation 2372901 (VCV002372901.26), dbSNP rs202020063, ClinGen allele CA10476130.